The following is an entry in ClinVar:

NM_013372.7(GREM1):c.185A>G (p.Gln62Arg)

Gene: GREM1 (gremlin 1, DAN family BMP antagonist; plus strand). Cytogenetic location: 15q13.3.
Variant type: single nucleotide variant.
Coding change: c.185A>G on transcript NM_013372.7 (MANE Select); coding-DNA position 185, A replaced by G.
Protein change: p.Gln62Arg; replaces glutamine 62 with arginine.
Molecular consequence: missense variant. On other transcripts: intron variant (2).
Genome position (GRCh38, 1-based): chr15:32,730,875, A>G. VCF-style: chr15-32730875-A-G. GRCh37 (hg19) VCF-style: chr15-33023076-A-G.
Other names: c.185A>G, p.Gln62Arg (NM_001368719.1); c.115-53A>G (NM_001191323.2); c.28-53A>G (NM_001191322.2); short protein forms Q62R.
Identifiers: ClinVar variation 1781468 (VCV001781468.3), dbSNP rs779317921, ClinGen allele CA7456126.

ClinVar aggregate classification (germline): Uncertain significance (1 of 4 stars; one submission).

Conditions:
Hereditary cancer-predisposing syndrome. Also called: Neoplastic Syndromes, Hereditary; Tumor predisposition; Hereditary Cancer Syndrome; Hereditary neoplastic syndrome. Identifiers: Orphanet 140162, MedGen C0027672, MeSH D009386, MONDO:0015356.

Allele frequency attached by ClinVar (database versions not stated): gnomAD 0.00001; TOPMed 0.00001; ExAC 0.00003.
gnomAD v4.1: 14 of 1,612,962 alleles (0.00087%); highest among the groups gnomAD compares: Admixed American, 0.013%; no homozygotes.

Submission:

Ambry Genetics
Classification: Uncertain significance for Hereditary cancer-predisposing syndrome. Last evaluated: 2024-06-15. Review status: criteria provided, single submitter. Criteria: Ambry Variant Classification Scheme 2023. Collection method: clinical testing. Allele origin: germline.
Comment: The p.Q62R variant (also known as c.185A>G), located in coding exon 1 of the GREM1 gene, results from an A to G substitution at nucleotide position 185. The glutamine at codon 62 is replaced by arginine, an amino acid with highly similar properties. This amino acid position is conserved. In addition, this alteration is predicted to be tolerated by in silico analysis. Since supporting evidence is limited at this time, the clinical significance of this alteration remains unclear.